The following is an entry in ClinVar:

ClinVar aggregate classification (germline): Uncertain significance (1 of 4 stars; one submission).

Conditions:
Charcot-Marie-Tooth disease type 4. Also called: Charcot-Marie-Tooth, Type 4; Charcot-Marie-Tooth disease, type IV. Identifiers: Orphanet 64749, MedGen C4082197, MONDO:0018995.

Allele frequency attached by ClinVar (database versions not stated): 1000 Genomes Project 30x 0.00031.
gnomAD v4.1: 4 of 1,561,292 alleles (0.00026%); highest among the groups gnomAD compares: African/African-American, 0.0027%; no homozygotes.

Submission:

Labcorp Genetics (formerly Invitae), Labcorp
Classification: Uncertain significance for Charcot-Marie-Tooth disease type 4. Last evaluated: 2022-03-14. Review status: criteria provided, single submitter. Criteria: Invitae Variant Classification Sherloc (09022015). Collection method: clinical testing. Allele origin: germline.
Comment: This sequence change replaces glutamic acid, which is acidic and polar, with glutamine, which is neutral and polar, at codon 8 of the MTMR2 protein (p.Glu8Gln). This variant is not present in population databases (gnomAD no frequency). This variant has not been reported in the literature in individuals affected with MTMR2-related conditions. Algorithms developed to predict the effect of missense changes on protein structure and function (SIFT, PolyPhen-2, Align-GVGD) all suggest that this variant is likely to be tolerated. In summary, the available evidence is currently insufficient to determine the role of this variant in disease. Therefore, it has been classified as a Variant of Uncertain Significance.

NM_016156.6(MTMR2):c.22G>C (p.Glu8Gln)

Gene: MTMR2 (myotubularin related protein 2; minus strand). Cytogenetic location: 11q21.
Variant type: single nucleotide variant.
Coding change: c.22G>C on transcript NM_016156.6 (MANE Select); coding-DNA position 22, G replaced by C.
Protein change: p.Glu8Gln; replaces glutamic acid 8 with glutamine.
Molecular consequence: missense variant. On other transcripts: 5 prime UTR variant (3).
Genome position (GRCh38, 1-based): chr11:95,923,933, C>G on the plus strand (G>C on the coding strand, the complement: MTMR2 is on the minus strand). VCF-style: chr11-95923933-C-G. GRCh37 (hg19) VCF-style: chr11-95657097-C-G.
Other names: c.-462G>C (NM_001243571.2); c.-389G>C (NM_201278.3); c.-266G>C (NM_201281.3); short protein forms E8Q.
Identifiers: ClinVar variation 1921754 (VCV001921754.5), dbSNP rs756912172, ClinGen allele CA382416589.
Genomic context (GRCh38, chr11:95,923,933, plus strand): 5'-ACCTGGACAAGGAGTCCACGCTGGGCGGCCGAGCCGCCGCCGGCTGGGAGCCAAGACTCT[C>G]GCAGCTCGAGCTCTTCTCCATCGCGCGGCAGGGGCAGCACAGGGAAAGGCTGAAGCAGTC-3'
Protein context (NP_057240.3, residues 1-18): MEKSSSC[Glu8Gln]SLGSQPAAAR